The following is an entry in ClinVar:

ClinVar aggregate classification (germline): Uncertain significance (1 of 4 stars; one submission).

Submission:

GeneDx
Classification: Uncertain significance. Last evaluated: 2022-08-24. Review status: criteria provided, single submitter. Criteria: GeneDx Variant Classification Process June 2021. Collection method: clinical testing. Allele origin: germline. Affected: yes.
Comment: This specific nucleotide change is not observed in large population cohorts from publicly available databases; however, a different nucleotide change that results in p.Glu27_Glu28del is observed in large population cohorts, including multiple unrelated homozygous individuals (gnomAD); In silico analysis, which includes protein predictors and evolutionary conservation, supports that this variant does not alter protein structure/function; Has not been previously published as pathogenic or benign to our knowledge

NM_001378454.1(ALMS1):c.54_60delinsA (p.Glu27_Glu28del)

Gene: ALMS1 (ALMS1 centrosome and basal body associated protein; plus strand). Cytogenetic location: 2p13.1.
Variant type: Indel.
Coding change: c.54_60delinsA on transcript NM_001378454.1 (MANE Select); coding-DNA positions 54 to 60, GGAGGAG replaced by A.
Protein change: p.Glu27_Glu28del.
Molecular consequence: inframe deletion.
Genome position (GRCh38, 1-based): chr2:73,385,922-73,385,928, GGAGGAG replaced by A. VCF-style: chr2-73385922-GGAGGAG-A. GRCh37 (hg19) VCF-style: chr2-73613050-GGAGGAG-A.
Other names: c.57_63delinsA, p.Glu28_Glu29del (NM_015120.4).
Identifiers: ClinVar variation 1704967 (VCV001704967.2), dbSNP rs2465970158, ClinGen allele CA2580068056.